The following is an entry in ClinVar:

NM_000227.6(LAMA3):c.3G>T (p.Met1Ile)

Genes: LAMA3 (laminin subunit alpha 3; plus strand), LOC126862707 (MED14-independent group 3 enhancer GRCh37_chr18:21452354-21453553; plus strand). Cytogenetic location: 18q11.2.
Variant type: single nucleotide variant.
Coding change: c.3G>T on transcript NM_000227.6 (MANE Plus Clinical); coding-DNA position 3, G replaced by T.
Protein change: p.Met1Ile; changes the start codon (methionine 1).
Molecular consequence: missense variant, initiator codon variant. On other transcripts: intron variant (2).
Genome position (GRCh38, 1-based): chr18:23,873,047, G>T. VCF-style: chr18-23873047-G-T. GRCh37 (hg19) VCF-style: chr18-21453011-G-T.
Other names: c.3G>T, p.Met1Ile (NM_001127718.4); c.4998+1386G>T (NM_198129.4, NM_001127717.4); short protein forms M1I.
Identifiers: ClinVar variation 5003764 (VCV005003764.1).

ClinVar aggregate classification (germline): Uncertain significance (1 of 4 stars; one submission).

Conditions:
Junctional epidermolysis bullosa. Identifiers: Orphanet 305, MedGen C0079301, MONDO:0017612.

Submission:

Myriad Genetics, Inc.
Classification: Uncertain significance for Junctional epidermolysis bullosa. Last evaluated: 2025-08-06. Review status: criteria provided, single submitter. Criteria: Myriad Autosomal Dominant, Autosomal Recessive and X-Linked Classification Criteria (2023). Collection method: clinical testing. Allele origin: unknown.
Comment: NM_000227.3(LAMA3):c.3G>T(M1?) is an initiation codon variant classified as a variant of uncertain significance in the context of junctional epidermolysis bullosa, LAMA3-related. M1? has not been observed in cases with relevant disease. Relevant functional assessments of this variant are not available in the literature. M1? has not been observed in referenced population frequency databases. In summary, there is insufficient evidence to classify NM_000227.3(LAMA3):c.3G>T(M1?) as pathogenic or benign. Please note: this variant was assessed in the context of healthy population screening.